The following is an entry in ClinVar:

ClinVar aggregate classification (germline): Likely benign. Review status: criteria provided, single submitter (1 of 4 stars). 2 submissions from 2 submitters: Likely benign (1). 1 of the submissions does not count toward it. Last evaluated 2024-07-01.

Conditions:
RAD23B-related disorder. Also called: RAD23B-related condition.

Allele frequency attached by ClinVar (database versions not stated): TOPMed 0.00153; 1000 Genomes Project 0.00200; 1000 Genomes Project 30x 0.00203; gnomAD 0.00220; ESP Exome Variant Server 0.00238; gnomAD exomes 0.00245; ExAC 0.00252.
gnomAD v4.1: 3,879 of 1,606,918 alleles (0.24%); highest among the groups gnomAD compares: Non-Finnish European, 0.27%; 6 homozygotes.

Submissions (2):

CeGaT Center for Human Genetics Tuebingen
Classification: Likely benign. Last evaluated: 2024-07-01. Review status: criteria provided, single submitter. Criteria: CeGaT Center For Human Genetics Tuebingen Variant Classification Criteria Version 2. Collection method: clinical testing. Allele origin: germline. Affected: yes. Observed: 1 variant allele.
Comment: RAD23B: BP4, BP7

PreventionGenetics, part of Exact Sciences
Classification: Likely benign for RAD23B-related condition. Last evaluated: 2020-11-16. Review status: no assertion criteria provided. Collection method: clinical testing. Allele origin: germline. Not counted in ClinVar's aggregate classification.
Comment: This variant is classified as likely benign based on ACMG/AMP sequence variant interpretation guidelines (Richards et al. 2015 PMID: 25741868, with internal and published modifications).

NM_002874.5(RAD23B):c.804A>G (p.Thr268=)

Gene: RAD23B (RAD23 nucleotide excision repair protein B; plus strand). Cytogenetic location: 9q31.2.
Variant type: single nucleotide variant.
Coding change: c.804A>G on transcript NM_002874.5 (MANE Select); coding-DNA position 804, A replaced by G.
Protein change: p.Thr268=; no amino-acid change (threonine 268 retained).
Molecular consequence: synonymous variant.
Genome position (GRCh38, 1-based): chr9:107,322,105, A>G. VCF-style: chr9-107322105-A-G. GRCh37 (hg19) VCF-style: chr9-110084386-A-G.
Other names: c.741A>G, p.Thr247= (NM_001244713.1); c.588A>G, p.Thr196= (NM_001244724.2).
Identifiers: ClinVar variation 3039463 (VCV003039463.18), dbSNP rs4987014, ClinGen allele CA5172799.